The following is an entry in ClinVar:

ClinVar aggregate classification (germline): Uncertain significance (1 of 4 stars; one submission).

Conditions:
Trichorhinophalangeal dysplasia type I (TRPS1). Also called: TRICHORHINOPHALANGEAL SYNDROME, TYPE I; TRPS I. Identifiers: Orphanet 77258, MedGen C0432233, MONDO:0008596, OMIM 190350.
Trichorhinophalangeal syndrome, type III (TRPS3). Also called: SUGIO-KAJII SYNDROME. Identifiers: Orphanet 77258, MedGen C1860823, OMIM 190351, MONDO:0008597.

Allele frequency attached by ClinVar (database versions not stated): gnomAD exomes below 0.00001.
gnomAD v4.1: 1 of 1,614,020 alleles (0.000062%); highest among the groups gnomAD compares: South Asian, 0.0011%; no homozygotes.

Submission:

Labcorp Genetics (formerly Invitae), Labcorp
Classification: Uncertain significance for Trichorhinophalangeal syndrome, type III; Trichorhinophalangeal dysplasia type I. Last evaluated: 2021-08-12. Review status: criteria provided, single submitter. Criteria: Invitae Variant Classification Sherloc (09022015). Collection method: clinical testing. Allele origin: germline.
Comment: This sequence change replaces asparagine with lysine at codon 342 of the TRPS1 protein (p.Asn342Lys). The asparagine residue is highly conserved and there is a moderate physicochemical difference between asparagine and lysine. This variant is not present in population databases (ExAC no frequency). This variant has not been reported in the literature in individuals affected with TRPS1-related conditions. Algorithms developed to predict the effect of missense changes on protein structure and function (SIFT, PolyPhen-2, Align-GVGD) all suggest that this variant is likely to be disruptive. In summary, the available evidence is currently insufficient to determine the role of this variant in disease. Therefore, it has been classified as a Variant of Uncertain Significance.

NM_014112.5(TRPS1):c.1026C>A (p.Asn342Lys)

Gene: TRPS1 (transcriptional repressor GATA binding 1; minus strand). Cytogenetic location: 8q23.3.
Variant type: single nucleotide variant.
Coding change: c.1026C>A on transcript NM_014112.5 (MANE Select); coding-DNA position 1026, C replaced by A.
Protein change: p.Asn342Lys; replaces asparagine 342 with lysine.
Molecular consequence: missense variant.
Genome position (GRCh38, 1-based): chr8:115,604,943, G>T on the plus strand (C>A on the coding strand, the complement: TRPS1 is on the minus strand). VCF-style: chr8-115604943-G-T. GRCh37 (hg19) VCF-style: chr8-116617170-G-T.
Other names: c.999C>A, p.Asn333Lys (NM_001282902.3); c.1005C>A, p.Asn335Lys (NM_001282903.3); c.987C>A, p.Asn329Lys (NM_001330599.2); short protein forms N333K, N335K, N329K, N342K.
Identifiers: ClinVar variation 1374422 (VCV001374422.6), dbSNP rs1407182463, ClinGen allele CA372068325.